The following is an entry in ClinVar:

ClinVar aggregate classification (germline): Likely benign. Review status: criteria provided, multiple submitters, no conflicts (2 of 4 stars). 5 submissions from 5 submitters: Likely benign (3). 2 of the submissions do not count toward it. Last evaluated 2023-12-01.

Allele frequency attached by ClinVar (database versions not stated): ExAC 0.00001; gnomAD 0.00001; TOPMed 0.00001; gnomAD exomes 0.00002 and 0.00003.
gnomAD v4.1: 19 of 1,208,733 alleles (0.0016%); highest among the groups gnomAD compares: Middle Eastern, 0.023%; no homozygotes.

Submissions (5):

Labcorp Genetics (formerly Invitae), Labcorp
Classification: Likely benign. Last evaluated: 2023-12-01. Review status: criteria provided, single submitter. Criteria: Invitae Variant Classification Sherloc (09022015). Collection method: clinical testing. Allele origin: germline.

CeGaT Center for Human Genetics Tuebingen
Classification: Likely benign. Last evaluated: 2023-05-01. Review status: criteria provided, single submitter. Criteria: CeGaT Center For Human Genetics Tuebingen Variant Classification Criteria Version 2. Collection method: clinical testing. Allele origin: germline. Affected: yes. Observed: 2 variant alleles.
Comment: NEXMIF: BP4, BP7

Blueprint Genetics
Classification: Likely benign. Last evaluated: 2022-11-15. Review status: criteria provided, single submitter. Criteria: ACMG Guidelines, 2015. Collection method: clinical testing. Allele origin: germline.

Clinical Genetics DNA and cytogenetics Diagnostics Lab, Erasmus MC, Erasmus Medical Center
Classification: Likely benign. Review status: no assertion criteria provided. Collection method: clinical testing. Allele origin: germline. Affected: yes. Study: VKGL Data-share Consensus. Not counted in ClinVar's aggregate classification.

Genome Diagnostics Laboratory, University Medical Center Utrecht
Classification: Likely benign. Review status: no assertion criteria provided. Collection method: clinical testing. Allele origin: germline. Affected: yes. Study: VKGL Data-share Consensus. Not counted in ClinVar's aggregate classification.

NM_001008537.3(NEXMIF):c.3222G>A (p.Pro1074=)

Gene: NEXMIF (neurite extension and migration factor; minus strand). Cytogenetic location: Xq13.3.
Variant type: single nucleotide variant.
Coding change: c.3222G>A on transcript NM_001008537.3 (MANE Select); coding-DNA position 3222, G replaced by A.
Protein change: p.Pro1074=; no amino-acid change (proline 1074 retained).
Molecular consequence: synonymous variant.
Genome position (GRCh38, 1-based): chrX:74,741,335, C>T on the plus strand (G>A on the coding strand, the complement: NEXMIF is on the minus strand). VCF-style: chrX-74741335-C-T. GRCh37 (hg19) VCF-style: chrX-73961170-C-T.
Identifiers: ClinVar variation 732748 (VCV000732748.33), dbSNP rs748567167, ClinGen allele CA10454969.